The following is an entry in ClinVar:

NM_006031.6(PCNT):c.4484T>C (p.Phe1495Ser)

Gene: PCNT (pericentrin; plus strand). Cytogenetic location: 21q22.3.
Variant type: single nucleotide variant.
Coding change: c.4484T>C on transcript NM_006031.6 (MANE Select); coding-DNA position 4484, T replaced by C.
Protein change: p.Phe1495Ser; replaces phenylalanine 1495 with serine.
Molecular consequence: missense variant.
Genome position (GRCh38, 1-based): chr21:46,398,051, T>C. VCF-style: chr21-46398051-T-C. GRCh37 (hg19) VCF-style: chr21-47817965-T-C.
Other names: c.4130T>C, p.Phe1377Ser (NM_001315529.2); short protein forms F1377S, F1495S.
Identifiers: ClinVar variation 1966300 (VCV001966300.2), dbSNP rs2518617483, ClinGen allele CA410579242.

ClinVar aggregate classification (germline): Uncertain significance (1 of 4 stars; one submission).

Allele frequency attached by ClinVar (database versions not stated): gnomAD exomes below 0.00001.
gnomAD v4.1: 3 of 1,596,662 alleles (0.00019%); highest among the groups gnomAD compares: Admixed American, 0.0017%; no homozygotes.

Submission:

Labcorp Genetics (formerly Invitae), Labcorp
Classification: Uncertain significance. Last evaluated: 2022-06-27. Review status: criteria provided, single submitter. Criteria: Invitae Variant Classification Sherloc (09022015). Collection method: clinical testing. Allele origin: germline.
Comment: This sequence change replaces phenylalanine, which is neutral and non-polar, with serine, which is neutral and polar, at codon 1495 of the PCNT protein (p.Phe1495Ser). This variant is not present in population databases (gnomAD no frequency). This variant has not been reported in the literature in individuals affected with PCNT-related conditions. Algorithms developed to predict the effect of missense changes on protein structure and function (SIFT, PolyPhen-2, Align-GVGD) all suggest that this variant is likely to be disruptive. In summary, the available evidence is currently insufficient to determine the role of this variant in disease. Therefore, it has been classified as a Variant of Uncertain Significance.